The following is an entry in ClinVar:

NM_000208.4(INSR):c.3775G>A (p.Asp1259Asn)

Gene: INSR (insulin receptor; minus strand). Cytogenetic location: 19p13.2.
Variant type: single nucleotide variant.
Coding change: c.3775G>A on transcript NM_000208.4 (MANE Select); coding-DNA position 3775, G replaced by A.
Protein change: p.Asp1259Asn; replaces aspartic acid 1259 with asparagine.
Molecular consequence: missense variant.
Genome position (GRCh38, 1-based): chr19:7,119,468, C>T on the plus strand (G>A on the coding strand, the complement: INSR is on the minus strand). VCF-style: chr19-7119468-C-T. GRCh37 (hg19) VCF-style: chr19-7119479-C-T.
Other names: c.3739G>A, p.Asp1247Asn (NM_001079817.3); c.3775G>A (NM_000208.3); short protein forms D1259N, D1247N.
Identifiers: ClinVar variation 435517 (VCV000435517.10), dbSNP rs369102740, ClinGen allele CA9135155.
Genomic context (GRCh38, chr19:7,119,468, plus strand): 5'-CAACGAACACCTCACACACCTTAAACCCTTTCTACACTTACACTCTCTCTGGACAGTTGT[C>T]GGGTTGATCCAGATACCCTCCATCCATGACAAATTTCAACACCTGTTCATTAGACAGGCC-3'
Protein context (NP_000199.2, residues 1249-1269): VMDGGYLDQP[Asp1259Asn]NCPERVTDLM

ClinVar aggregate classification (germline): Uncertain significance/Uncertain risk allele. Review status: criteria provided, multiple submitters, no conflicts (2 of 4 stars). 5 submissions from 5 submitters: Uncertain significance (4); Uncertain risk allele (1). Last evaluated 2026-07-21.

Conditions:
INSR-related disorder.
Hyperinsulinism due to INSR deficiency. Also called: Hyperinsulinism due to glutamodehydrogenase deficiency. Identifiers: Orphanet 263458, MedGen C1864952, MONDO:0012381, OMIM 609968.
Insulin-resistant diabetes mellitus AND acanthosis nigricans. Also called: type A insulin resistance; DIABETES MELLITUS, INSULIN-RESISTANT, WITH ACANTHOSIS NIGRICANS, TYPE A; Insulin-resistance syndrome type A; INSULIN RECEPTOR, DEFECT IN, WITH INSULIN-RESISTANT DIABETES MELLITUS AND ACANTHOSIS NIGRICANS; IRAN, TYPE A. Identifiers: Orphanet 2297, MedGen C0342278, MONDO:0012520, OMIM 610549.
Rabson-Mendenhall syndrome. Also called: Pineal Hyperplasia, Insulin-Resistant Diabetes Mellitus, and Somatic Abnormalities; MENDENHALL SYNDROME; Pineal hyperplasia AND diabetes mellitus syndrome. Identifiers: Orphanet 769, MedGen C0271695, MONDO:0009874, OMIM 262190.
Leprechaunism syndrome. Also called: Donohue syndrome; LEPRECHAUNISM. Identifiers: Orphanet 508, MedGen C0265344, MONDO:0009517, OMIM 246200.

Allele frequency attached by ClinVar (database versions not stated): TOPMed 0.00003; gnomAD 0.00007; ExAC 0.00008; ESP Exome Variant Server 0.00008; gnomAD exomes 0.00008 and 0.00011.
gnomAD v4.1: 166 of 1,614,052 alleles (0.01%); highest among the groups gnomAD compares: Non-Finnish European, 0.013%; 2 homozygotes.

Submissions (5):

PreventionGenetics, part of Exact Sciences
Classification: Uncertain significance for INSR-related condition. Last evaluated: 2026-07-21. Review status: criteria provided, single submitter. Criteria: ACMG Guidelines, 2015. Collection method: clinical testing. Allele origin: germline.
Comment: The INSR c.3775G>A variant is predicted to result in the amino acid substitution p.Asp1259Asn. To our knowledge, this variant has not been reported in the literature. This variant is reported in 0.015% of alleles in individuals of European (Non-Finnish) descent in gnomAD. At this time, the clinical significance of this variant is uncertain due to the absence of conclusive functional and genetic evidence.

Fulgent Genetics
Classification: Uncertain significance for Leprechaunism syndrome; Rabson-Mendenhall syndrome; Hyperinsulinism due to INSR deficiency; Insulin-resistant diabetes mellitus AND acanthosis nigricans. Last evaluated: 2018-10-31. Review status: criteria provided, single submitter. Criteria: ACMG Guidelines, 2015. Collection method: clinical testing. Allele origin: unknown.

Labcorp Genetics (formerly Invitae), Labcorp
Classification: Uncertain significance. Last evaluated: 2017-06-02. Review status: criteria provided, single submitter. Criteria: Invitae Variant Classification Sherloc (09022015). Collection method: clinical testing. Allele origin: germline.
Comment: This sequence change replaces aspartic acid with asparagine at codon 1259 of the INSR protein (p.Asp1259Asn). The aspartic acid residue is moderately conserved and there is a small physicochemical difference between aspartic acid and asparagine. This variant is present in population databases (rs369102740, ExAC 0.01%). This variant has not been reported in the literature in individuals with a INSR-related disease. In summary, this variant has uncertain impact on INSR function. The available evidence is currently insufficient to determine its role in disease. Therefore, it has been classified as a Variant of Uncertain Significance.

Genetic Services Laboratory, University of Chicago
Classification: Uncertain significance. Last evaluated: 2016-12-30. Review status: criteria provided, single submitter. Criteria: ACMG Guidelines, 2015. Collection method: clinical testing. Allele origin: germline. Affected: no.

Clinical Genomics, Uppaluri K&H Personalized Medicine Clinic
Classification: Uncertain risk allele for Hyperinsulinism due to INSR deficiency. Review status: criteria provided, single submitter. Criteria: K And H Uppaluri Personalized Medicine Clinic Variant Classification And Assertion Criteria Updated V 2. Collection method: research. Allele origin: unknown. Inheritance: Autosomal dominant inheritance.
Comment: Potent mutations in INSR gene can lead to insulin resistance, which presents as impaired glucose tolerance, early onset type 2 diabetes, post prandial hyperglycemia and increased insulin requirement in type 1 diabetes. These mutations in INSR gene can also predispose to coronary artery disease, metabolic syndrome, polycystic ovarian disease and non alcoholic fatty liver disease.However, the role of this particular variant rs369102740 with early onset diabetes mellitus is yet to be ascertained.

Literature cited by the submitters: PubMed 35000900 (cited by Clinical Genomics, Uppaluri K&H Personalized Medicine Clinic); PubMed 31989990 (cited by Clinical Genomics, Uppaluri K&H Personalized Medicine Clinic); PubMed 23705494 (cited by Clinical Genomics, Uppaluri K&H Personalized Medicine Clinic).